The following is an entry in ClinVar:

ClinVar aggregate classification (germline): Pathogenic. Review status: criteria provided, multiple submitters, no conflicts (2 of 4 stars). 2 submissions from 2 submitters: Pathogenic (2). Last evaluated 2025-08-31.

Conditions:
Microcephalic osteodysplastic primordial dwarfism type II (MOPD2). Also called: Microcephalic osteodysplastic primordial dwarfism with tooth abnormalities; MOPD II; OSTEODYSPLASTIC PRIMORDIAL DWARFISM, TYPE II. Identifiers: Orphanet 2637, MedGen C0432246, MONDO:0008872, OMIM 210720.

Submissions (2):

3billion
Classification: Pathogenic for Microcephalic osteodysplastic primordial dwarfism type II. Last evaluated: 2025-08-31. Review status: criteria provided, single submitter. Criteria: ACMG Guidelines, 2015. Collection method: clinical testing. Allele origin: germline. Affected: yes.
Comment: The variant is observed at an extremely low frequency in the gnomAD v4.1.0 dataset (total allele frequency: <0.001%). Predicted Consequence/Location: Frameshift: predicted to result in a loss or disruption of normal protein function through nonsense-mediated decay (NMD) or protein truncation. Multiple pathogenic variants are reported downstream of the variant. The variant has been reported to be associated with PCNT-related disorder (ClinVar ID: VCV001917141). Therefore, this variant is classified as Pathogenic according to the recommendation of ACMG/AMP guideline.

Labcorp Genetics (formerly Invitae), Labcorp
Classification: Pathogenic. Last evaluated: 2024-03-04. Review status: criteria provided, single submitter. Criteria: Invitae Variant Classification Sherloc (09022015). Collection method: clinical testing. Allele origin: germline.
Comment: This sequence change creates a premature translational stop signal (p.Val557Glyfs*14) in the PCNT gene. It is expected to result in an absent or disrupted protein product. Loss-of-function variants in PCNT are known to be pathogenic (PMID: 18174396, 22821869). This variant is present in population databases (rs749440530, gnomAD 0.003%). This variant has not been reported in the literature in individuals affected with PCNT-related conditions. For these reasons, this variant has been classified as Pathogenic.

Literature cited by the submitters: PubMed 18174396 (cited by Labcorp Genetics (formerly Invitae), Labcorp); PubMed 22821869 (cited by Labcorp Genetics (formerly Invitae), Labcorp).

NM_006031.6(PCNT):c.1670_1671del (p.Val557fs)

Gene: PCNT (pericentrin; plus strand). Cytogenetic location: 21q22.3.
Variant type: Microsatellite.
Coding change: c.1670_1671del on transcript NM_006031.6 (MANE Select); coding-DNA positions 1670 to 1671, 2 bases deleted (TG; older notation c.1670_1671delTG).
Protein change: p.Val557fs; shifts the reading frame from valine 557.
Molecular consequence: frameshift variant.
Genome position (GRCh38, 1-based): chr21:46,353,317-46,353,318, TG deleted; deleting any 2 consecutive bases within chr21:46,353,315-46,353,318 gives the same sequence; the c. name uses the placement nearest the transcript's 3' end. VCF-style (leftmost placement, unchanged base first): chr21-46353314-CTG-C. GRCh37 (hg19) VCF-style: chr21-47773228-CTG-C.
Other names: c.1316_1317del, p.Val439fs (NM_001315529.2); short protein forms V439fs, V557fs.
Identifiers: ClinVar variation 1917141 (VCV001917141.6), dbSNP rs749440530, ClinGen allele CA10078686.